The following is an entry in ClinVar:

ClinVar aggregate classification (germline): Uncertain significance. Review status: criteria provided, multiple submitters, no conflicts (2 of 4 stars). 4 submissions from 4 submitters: Uncertain significance (3). 1 of the submissions does not count toward it. Last evaluated 2026-01-09.

Conditions:
Inborn genetic diseases. Identifiers: MedGen C0950123, MeSH D030342.
Epidermolysis bullosa dystrophica inversa, autosomal recessive. Identifiers: MedGen C2673612.
Transient bullous dermolysis of the newborn (TBDN). Also called: EPIDERMOLYSIS BULLOSA DYSTROPHICA, NEONATAL FORM; DYSTROPHIC EPIDERMOLYSIS BULLOSA, NEONATAL. Identifiers: Orphanet 79411, MedGen C1851573, MONDO:0007548, OMIM 131705.
Recessive dystrophic epidermolysis bullosa (RDEB). Also called: epidermolysis bullosa dystrophica, autosomal recessive; DYSTROPHIC EPIDERMOLYSIS BULLOSA, AUTOSOMAL RECESSIVE; EPIDERMOLYSIS BULLOSA DYSTROPHICA, HALLOPEAU-SIEMENS TYPE; severe generalized recessive dystrophic epidermolysis bullosa; EPIDERMOLYSIS BULLOSA DYSTROPHICA, GENERALIZED SEVERE, AUTOSOMAL RECESSIVE; Hallopeau-Siemens Disease. Identifiers: Orphanet 79408, Orphanet 79409, MedGen C0079474, MONDO:0009179, OMIM 226600.
Epidermolysis bullosa pruriginosa. Also called: DEB, PRURIGINOSA; DYSTROPHIC EPIDERMOLYSIS BULLOSA PRURIGINOSA. Identifiers: Orphanet 89843, MedGen C1275114, MONDO:0011398, OMIM 604129.
Pretibial dystrophic epidermolysis bullosa. Also called: EPIDERMOLYSIS BULLOSA DYSTROPHICA, PRETIBIAL; Pretibial blistering; Pretibial epidermolysis bullosa. Identifiers: Orphanet 79410, MedGen C0432321, MONDO:0007552, OMIM 131850, HP:0012221.
Dominant dystrophic epidermolysis bullosa with absence of skin. Also called: EPIDERMOLYSIS BULLOSA WITH CONGENITAL LOCALIZED ABSENCE OF SKIN AND DEFORMITY OF NAILS; EPIDERMOLYSIS BULLOSA DYSTROPHICA, BART TYPE. Identifiers: MedGen C0268371, MONDO:0007557, OMIM 132000.
Generalized dominant dystrophic epidermolysis bullosa (DDEB). Also called: DDEB, generalized; DDEB-gen; DYSTROPHIC EPIDERMOLYSIS BULLOSA, AUTOSOMAL DOMINANT; Epidermolysis bullosa dystrophica, autosomal dominant; Dominant DEB (DDEB). Identifiers: Orphanet 231568, MedGen C0432322, MONDO:0007549, OMIM 131750.
Nonsyndromic congenital nail disorder 8. Also called: TOENAIL DYSTROPHY, ISOLATED. Identifiers: MedGen C1843761, MONDO:0011852, OMIM 607523.

Allele frequency attached by ClinVar (database versions not stated): gnomAD exomes below 0.00001.
gnomAD v4.1: 4 of 1,614,064 alleles (0.00025%); highest among the groups gnomAD compares: Middle Eastern, 0.016%; no homozygotes.

Submissions (4):

Ambry Genetics
Classification: Uncertain significance for Inborn genetic diseases. Last evaluated: 2026-01-09. Review status: criteria provided, single submitter. Criteria: Ambry Variant Classification Scheme 2023. Collection method: clinical testing. Allele origin: germline.

Labcorp Genetics (formerly Invitae), Labcorp
Classification: Uncertain significance. Last evaluated: 2024-07-06. Review status: criteria provided, single submitter. Criteria: Invitae Variant Classification Sherloc (09022015). Collection method: clinical testing. Allele origin: germline.
Comment: This sequence change replaces leucine, which is neutral and non-polar, with phenylalanine, which is neutral and non-polar, at codon 1276 of the COL7A1 protein (p.Leu1276Phe). This variant is not present in population databases (gnomAD no frequency). This variant has not been reported in the literature in individuals affected with COL7A1-related conditions. ClinVar contains an entry for this variant (Variation ID: 989745). Advanced modeling of protein sequence and biophysical properties (such as structural, functional, and spatial information, amino acid conservation, physicochemical variation, residue mobility, and thermodynamic stability) performed at Invitae indicates that this missense variant is not expected to disrupt COL7A1 protein function with a negative predictive value of 95%. In summary, the available evidence is currently insufficient to determine the role of this variant in disease. Therefore, it has been classified as a Variant of Uncertain Significance.

Fulgent Genetics
Classification: Uncertain significance for Transient bullous dermolysis of the newborn; Generalized dominant dystrophic epidermolysis bullosa; Pretibial dystrophic epidermolysis bullosa; Dominant dystrophic epidermolysis bullosa with absence of skin; Recessive dystrophic epidermolysis bullosa; Epidermolysis bullosa pruriginosa; Nonsyndromic congenital nail disorder 8. Last evaluated: 2021-11-12. Review status: criteria provided, single submitter. Criteria: ACMG Guidelines, 2015. Collection method: clinical testing. Allele origin: unknown.

Natera, Inc.
Classification: Uncertain significance for Autosomal recessive epidermolysis bullosa dystrophica inversa. Last evaluated: 2020-06-17. Review status: no assertion criteria provided. Collection method: clinical testing. Allele origin: germline. Not counted in ClinVar's aggregate classification.

NM_000094.4(COL7A1):c.3826C>T (p.Leu1276Phe)

Gene: COL7A1 (collagen type VII alpha 1 chain; minus strand). Cytogenetic location: 3p21.31.
Variant type: single nucleotide variant.
Coding change: c.3826C>T on transcript NM_000094.4 (MANE Select); coding-DNA position 3826, C replaced by T.
Protein change: p.Leu1276Phe; replaces leucine 1276 with phenylalanine.
Molecular consequence: missense variant.
Genome position (GRCh38, 1-based): chr3:48,585,695, G>A on the plus strand (C>T on the coding strand, the complement: COL7A1 is on the minus strand). VCF-style: chr3-48585695-G-A. GRCh37 (hg19) VCF-style: chr3-48623128-G-A.
Other names: c.3826C>T (NM_000094.3); short protein forms L1276F.
Identifiers: ClinVar variation 989745 (VCV000989745.7), dbSNP rs2045195228, ClinGen allele CA352701350.